The following is an entry in ClinVar:

NM_000722.4(CACNA2D1):c.226C>T (p.Arg76Cys)

Gene: CACNA2D1 (calcium voltage-gated channel auxiliary subunit alpha2delta 1; minus strand). Cytogenetic location: 7q21.11.
Variant type: single nucleotide variant.
Coding change: c.226C>T on transcript NM_000722.4 (MANE Select); coding-DNA position 226, C replaced by T.
Protein change: p.Arg76Cys; replaces arginine 76 with cysteine.
Molecular consequence: missense variant.
Genome position (GRCh38, 1-based): chr7:82,335,203, G>A on the plus strand (C>T on the coding strand, the complement: CACNA2D1 is on the minus strand). VCF-style: chr7-82335203-G-A. GRCh37 (hg19) VCF-style: chr7-81964519-G-A.
Other names: c.226C>T, p.Arg76Cys (NM_001302890.2, NM_001366867.1); short protein forms R76C.
Identifiers: ClinVar variation 1788757 (VCV001788757.6), dbSNP rs759003114, ClinGen allele CA4318443.

ClinVar aggregate classification (germline): Uncertain significance. Review status: criteria provided, multiple submitters, no conflicts (2 of 4 stars). 3 submissions from 3 submitters: Uncertain significance (3). Last evaluated 2023-05-06.

Conditions:
Cardiovascular phenotype. Identifiers: MedGen CN230736.
Brugada syndrome. Also called: Sudden unexpected nocturnal death syndrome; Sudden Unexplained Death Syndrome; Sudden Unexplained Nocturnal Death Syndrome (SUNDS); Sudden unexplained nocturnal death syndrome. Identifiers: Orphanet 130, MedGen C1142166, MONDO:0015263.

Allele frequency attached by ClinVar (database versions not stated): ExAC 0.00001; gnomAD 0.00002; gnomAD exomes 0.00002; TOPMed 0.00002.
gnomAD v4.1: 29 of 1,612,882 alleles (0.0018%); highest among the groups gnomAD compares: South Asian, 0.012%; no homozygotes.

Submissions (3):

Labcorp Genetics (formerly Invitae), Labcorp
Classification: Uncertain significance for Brugada syndrome. Last evaluated: 2023-05-06. Review status: criteria provided, single submitter. Criteria: Invitae Variant Classification Sherloc (09022015). Collection method: clinical testing. Allele origin: germline.
Comment: An algorithm developed to predict the effect of missense changes on protein structure and function (PolyPhen-2) suggests that this variant is likely to be disruptive. ClinVar contains an entry for this variant (Variation ID: 1788757). This missense change has been observed in individual(s) with arrhythmia (PMID: 30847666). This variant is present in population databases (rs759003114, gnomAD 0.005%). This sequence change replaces arginine, which is basic and polar, with cysteine, which is neutral and slightly polar, at codon 76 of the CACNA2D1 protein (p.Arg76Cys). In summary, the available evidence is currently insufficient to determine the role of this variant in disease. Therefore, it has been classified as a Variant of Uncertain Significance.

Ambry Genetics
Classification: Uncertain significance for Cardiovascular phenotype. Last evaluated: 2021-09-22. Review status: criteria provided, single submitter. Criteria: Ambry Variant Classification Scheme 2023. Collection method: clinical testing. Allele origin: germline.
Comment: The p.R76C variant (also known as c.226C>T), located in coding exon 3 of the CACNA2D1 gene, results from a C to T substitution at nucleotide position 226. The arginine at codon 76 is replaced by cysteine, an amino acid with highly dissimilar properties. This variant was detected in an arrhythmia genetic testing cohort; however, clinical details were limited (van Lint FHM et al. Neth Heart J, 2019 Jun;27:304-309). This amino acid position is well conserved in available vertebrate species. In addition, this alteration is predicted to be tolerated by in silico analysis. Since supporting evidence is limited at this time, the clinical significance of this alteration remains unclear.

Blueprint Genetics
Classification: Uncertain significance. Last evaluated: 2019-01-23. Review status: criteria provided, single submitter. Criteria: ACMG Guidelines, 2015. Collection method: clinical testing. Allele origin: germline.

Literature cited by the submitters: PubMed 30847666 (cited by Labcorp Genetics (formerly Invitae), Labcorp and Ambry Genetics).